The following is an entry in ClinVar:

ClinVar aggregate classification (germline): Uncertain significance (1 of 4 stars; one submission).

Submission:

Labcorp Genetics (formerly Invitae), Labcorp
Classification: Uncertain significance. Last evaluated: 2025-08-07. Review status: criteria provided, single submitter. Criteria: Invitae Variant Classification Sherloc (09022015). Collection method: clinical testing. Allele origin: germline.
Comment: This sequence change replaces alanine, which is neutral and non-polar, with aspartic acid, which is acidic and polar, at codon 411 of the ATP4A protein (p.Ala411Asp). This variant is not present in population databases (gnomAD no frequency). This variant has not been reported in the literature in individuals affected with ATP4A-related conditions. Invitae Evidence Modeling of protein sequence and biophysical properties (such as structural, functional, and spatial information, amino acid conservation, physicochemical variation, residue mobility, and thermodynamic stability) indicates that this missense variant is not expected to disrupt ATP4A protein function with a negative predictive value of 80%. In summary, the available evidence is currently insufficient to determine the role of this variant in disease. Therefore, it has been classified as a Variant of Uncertain Significance.

NM_000704.3(ATP4A):c.1232C>A (p.Ala411Asp)

Gene: ATP4A (ATPase H+/K+ transporting subunit alpha; minus strand). Cytogenetic location: 19q13.12.
Variant type: single nucleotide variant.
Coding change: c.1232C>A on transcript NM_000704.3 (MANE Select); coding-DNA position 1232, C replaced by A.
Protein change: p.Ala411Asp; replaces alanine 411 with aspartic acid.
Molecular consequence: missense variant.
Genome position (GRCh38, 1-based): chr19:35,559,016, G>T on the plus strand (C>A on the coding strand, the complement: ATP4A is on the minus strand). VCF-style: chr19-35559016-G-T. GRCh37 (hg19) VCF-style: chr19-36049918-G-T.
Other names: short protein forms A411D.
Identifiers: ClinVar variation 4809562 (VCV004809562.1).